The following is an entry in ClinVar:

NM_004333.6(BRAF):c.271G>T (p.Ala91Ser)

Gene: BRAF (B-Raf proto-oncogene, serine/threonine kinase; minus strand). Cytogenetic location: 7q34.
Variant type: single nucleotide variant.
Coding change: c.271G>T on transcript NM_004333.6 (MANE Select); coding-DNA position 271, G replaced by T.
Protein change: p.Ala91Ser; replaces alanine 91 with serine.
Molecular consequence: missense variant. On other transcripts: intron variant (1).
Genome position (GRCh38, 1-based): chr7:140,834,842, C>A on the plus strand (G>T on the coding strand, the complement: BRAF is on the minus strand). VCF-style: chr7-140834842-C-A. GRCh37 (hg19) VCF-style: chr7-140534642-C-A.
Other names: c.271G>T, p.Ala91Ser (NM_001354609.2, NM_001374244.1, NM_001374258.1 and 5 more transcripts); c.169G>T, p.Ala57Ser (NM_001378470.1); c.115G>T, p.Ala39Ser (NM_001378472.1, NM_001378473.1); c.240+15269G>T (NM_001378475.1); short protein forms A39S, A57S, A91S.
Identifiers: ClinVar variation 1328175 (VCV001328175.4), dbSNP rs2129062291, ClinGen allele CA369593904.

ClinVar aggregate classification (germline): Uncertain significance (1 of 4 stars; one submission).

Conditions:
BRAF-related spectrum disorder.

Submission:

Illumina Laboratory Services, Illumina
Classification: Uncertain significance for BRAF-related spectrum disorder. Last evaluated: 2021-11-04. Review status: criteria provided, single submitter. Criteria: ICSLVariantClassificationCriteria RUGD 01 April 2020. Collection method: clinical testing. Allele origin: unknown.
Comment: The BRAF c.271G>T (p.Ala91Ser) variant is a missense variant. A literature search was performed for the gene, cDNA change, and amino acid change. No publications were found based on this search. This variant is not found in the Genome Aggregation Database (version 2.1.1 or version 3.1.2) in a region of good sequence coverage, so the variant is presumed to be rare. Based on the limited evidence, the p.Ala91Ser is classified as a variant of uncertain significance for BRAF-related spectrum disorder.